The following is an entry in ClinVar:

NM_000518.5(HBB):c.190C>T (p.His64Tyr)

Genes: HBB (hemoglobin subunit beta; minus strand), LOC106099062 (HBB recombination region; plus strand), LOC107133510 (origin of replication at HBB; plus strand). Cytogenetic location: 11p15.4.
Variant type: single nucleotide variant.
Coding change: c.190C>T on transcript NM_000518.5 (MANE Select); coding-DNA position 190, C replaced by T.
Protein change: p.His64Tyr; replaces histidine 64 with tyrosine.
Molecular consequence: missense variant.
Genome position (GRCh38, 1-based): chr11:5,226,702, G>A on the plus strand (C>T on the coding strand, the complement: HBB is on the minus strand). VCF-style: chr11-5226702-G-A. GRCh37 (hg19) VCF-style: chr11-5247932-G-A.
Other names: H63Y; Hb M-Saskatoon; Hb Hörlein-Weber; Hb Leipzig; Hb M-Arhus; Hb M-Chicago; Hb M-Emory; Hb M-Erlangen; and 5 more; short protein forms H64Y.
Identifiers: ClinVar variation 15256 (VCV000015256.13), dbSNP rs33922873, ClinGen allele CA125011.

ClinVar aggregate classification (germline): Pathogenic/Likely pathogenic. Review status: criteria provided, multiple submitters, no conflicts (2 of 4 stars). 10 submissions from 9 submitters: Pathogenic (6); Likely pathogenic (1). 3 of the submissions do not count toward it. Last evaluated 2026-02-21.

Conditions:
HEMOGLOBIN M (RADOM) METHEMOGLOBINEMIA, BETA TYPE.
Inborn genetic diseases. Identifiers: MedGen C0950123, MeSH D030342.
METHEMOGLOBINEMIA, BETA TYPE. Also called: Methemoglobinemia, beta-globin type. Identifiers: MedGen C1840779, OMIM 617971.
beta Thalassemia (BTHAL). Also called: Cooley's anemia; Erythroblastic anemia; Mediterranean anemia. Identifiers: Orphanet 848, MedGen C0005283, MONDO:0019402. Disease mechanism: loss of function.
HEMOGLOBIN M (SASKATOON). Also called: HEMOGLOBIN M (HIDA); HEMOGLOBIN M (KURUME); HEMOGLOBIN M (NOVI SAD); HEMOGLOBIN M (HORLEIN-WEBER); HEMOGLOBIN M (LEIPZIG); HEMOGLOBIN M (ARHUS).

Submissions (10):

Dasa
Classification: Pathogenic. Last evaluated: 2026-02-21. Review status: criteria provided, single submitter. Criteria: DASA Assertion Criteria. Collection method: clinical testing. Allele origin: germline.
Comment: NM_000518.5(HBB):c.190C>T (p.His64Tyr) is a missense variant that results in the substitution of histidine with tyrosine. This variant has been recurrently observed in individuals with related phenotype (PMID: 5996551; PMID: 34789072). Multiple computational predictions support a deleterious effect on the gene or gene product. Based on the available data, this variant is classified as pathogenic.

Quest Diagnostics Nichols Institute San Juan Capistrano
Classification: Pathogenic. Last evaluated: 2025-08-21. Review status: criteria provided, single submitter. Criteria: Quest Diagnostics criteria. Collection method: clinical testing. Allele origin: unknown.
Comment: The HBB c.190C>T (p.His64Tyr) variant (also known as Hb M Saskatoon and H63Y) has been reported in the published literature in individuals/families affected with autosomal dominant methemoglobinemia (PMIDs: 34789072 (2021), 30828177 (2019), 4841979 (1974), 13897827 (1961), 20324533 (1950)) or hemoglobinopathy (PMID: 32830468 (2020)) and has been observed to occur de novo (PMIDs: 19727720 (2010), 15929117 (2005), 7713749 (1994)). Functional studies have reported that this variant is damaging to the natural function of beta globin with increased oxygen affinity, increased auto-oxidation, and reduced stability (PMIDs: 30828177 (2019), 15929117 (2005), 4086306 (1985), 7372598 (1980), 6248489 (1980), 4301455 (1968), 5851873 (1965)). This variant has not been reported in large, multi-ethnic general populations (Genome Aggregation Database). Based on the available information, this variant is classified as pathogenic and is associated with autosomal dominant methemoglobinemia.

Natera, Inc.
Classification: Likely pathogenic for Beta thalassemia. Last evaluated: 2024-11-18. Review status: criteria provided, single submitter. Criteria: Natera Variant Classification Schema (03/2026). Collection method: clinical testing. Allele origin: germline.
Comment: The c.190C>T variant in HBB is a missense variant predicted to cause substitution of histidine to tyrosine at amino acid 64. This variant is rare in the general population with a frequency below the threshold expected for the associated phenotype(s). This variant has been observed in affected individual(s) with monoallelic occurrence (heterozygous/hemizygous) (PMID: 7076259, 7663000, 15929117, 30828177, 34789072). Computational prediction algorithms indicate this variant is likely to affect gene or protein function. Given the available evidence, this variant is classified as Likely Pathogenic.

ARUP Laboratories, Molecular Genetics and Genomics, ARUP Laboratories
Classification: Pathogenic. Last evaluated: 2024-01-22. Review status: criteria provided, single submitter. Criteria: ARUP Molecular Germline Variant Investigation Process 2024. Collection method: clinical testing. Allele origin: germline.
Comment: The Hb M-Saskatoon variant (HBB: c.190C>T; p.His64Tyr, also known as His63Tyr when numbered from the mature protein, rs33922873, HbVar ID: 359) is reported in the literature in several individuals with hemoglobin M (HbM) disease (Arbane-Dahmane 1985, Bouatrous 2021, Brunner-Agten 2010, Gottgens 2021, Suryantoro 1995, Waye 1994). HbM disease is an autosomal dominantly inherited congenital form of methemoglobinemia, and pathogenic variants often occur de novo (Bouatrous 2021, Brunner-Agten 2010, Waye 1994). This variant is reported in ClinVar (Variation ID: 15256). It is absent from the Genome Aggregation Database, indicating it is not a common polymorphism. Computational analyses predict that this variant is deleterious (REVEL: 0.942). Based on available information, the Hb M-Saskatoon variant is considered to be pathogenic for HbM disease. References: Link to HbVar database: Arbane-Dahmane M et al. Hemoglobin M Saskatoon (alpha 2 beta 2 63(E7) His----Tyr) in an Algerian family. Hemoglobin. 1985;9(5):509-11. PMID: 4086306. Bouatrous E et al. First Observation of HbM-Saskatoon at the Origin of Neonatal Cyanosis in a Tunisian Baby. J Pediatr Hematol Oncol. 2021 Nov 1;43(8):e1055-e1058. PMID: 33625083. Brunner-Agten S et al. Compound heterozygosity of Hb Hamilton and de novo mutated HbM Saskatoon. Ann Hematol. 2010 May;89(5):517-8. PMID: 19727720. Gottgens EL et al. Cyanosis, hemolysis, decreased HbA1c and abnormal co-oximetry in a patient with hemoglobin M Saskatoon (HBB:c.190C?>?T p.His64Tyr). Hematology. 2021 Dec;26(1):914-918. PMID: 34789072. Suryantoro P et al. C to T transition at the first nucleotide of codon 63 of the beta-globin gene corresponding to hemoglobin M-Saskatoon in an Indonesian boy. Jpn J Hum Genet. 1995 Jun;40(2):195-201. PMID: 7663000. Waye JS et al. De novo beta-globin gene mutation (beta 63(E7)His-->Tyr) giving rise to Hb M disease in a Newfoundlander. Hemoglobin. 1994 Nov;18(6):441-3. PMID: 7713749.

Women's Health and Genetics/Laboratory Corporation of America, LabCorp
Classification: Pathogenic for beta Thalassemia. Last evaluated: 2019-07-02. Review status: criteria provided, single submitter. Criteria: LabCorp Variant Classification Summary - May 2015. Collection method: clinical testing. Allele origin: germline.
Comment: Variant summary: HBB c.190C>T (p.His64Tyr) results in a conservative amino acid change located in a heme binding site (InterPro) of the encoded protein sequence. Four of five in-silico tools predict a damaging effect of the variant on protein function. The variant was absent in 251426 control chromosomes (gnomAD). The variant (also known as Hb M-Saskatoon) is widely regarded as causing hemoglobin M (HbM) disease, and has been reported in the literature in several affected individuals (e.g. Efremov_1974, Waye_1994, Suryantoro_1995, Kedar_2005, Brunner-Agten_2010, Garcia-Morin_2019). The disorder was observed to be inherited in an autosomal dominant pattern, often occurring as a de novo mutation. To our knowledge, no experimental evidence demonstrating an impact on protein function has been reported. No clinical diagnostic laboratories have submitted clinical-significance assessments for this variant to ClinVar after 2014. Based on the evidence outlined above, the variant was classified as pathogenic.

Mendelics
Classification: Pathogenic for Beta-thalassemia HBB/LCRB. Last evaluated: 2019-05-28. Review status: criteria provided, single submitter. Criteria: Mendelics Assertion Criteria 2017. Collection method: clinical testing. Allele origin: unknown.

Ambry Genetics
Classification: Pathogenic for Inborn genetic diseases. Last evaluated: 2019-04-16. Review status: criteria provided, single submitter. Criteria: Ambry exome assertion method (8-5-2015). Collection method: clinical testing. Allele origin: germline. Affected: yes. Observed: 1 variant allele.

Molecular Genetics Laboratory, BC Children's and BC Women's Hospitals
Classification: Pathogenic for METHEMOGLOBINEMIA, BETA TYPE. Last evaluated: 2025-03-17. Review status: no assertion criteria provided. Criteria: ACMG Guidelines, 2015. Collection method: clinical testing. Allele origin: germline. Affected: yes. Not counted in ClinVar's aggregate classification.

OMIM
Classification: other for HEMOGLOBIN M (SASKATOON). Last evaluated: 2018-05-10. Review status: no assertion criteria provided. Collection method: literature only. Allele origin: germline. Not counted in ClinVar's aggregate classification.

OMIM
Classification: Pathogenic for HEMOGLOBIN M (RADOM) METHEMOGLOBINEMIA, BETA TYPE. Last evaluated: 1995-06-01. Review status: no assertion criteria provided. Collection method: literature only. Allele origin: germline. Not counted in ClinVar's aggregate classification.

Literature cited by the submitters: PubMed 5996551 (cited by Dasa and OMIM); PubMed 34789072 (cited by 3 submitters); PubMed 30828177 (cited by Quest Diagnostics Nichols Institute San Juan Capistrano and Natera, Inc.); PubMed 32830468 (cited by Quest Diagnostics Nichols Institute San Juan Capistrano); PubMed 7713749 (cited by 3 submitters); PubMed 19727720 (cited by Quest Diagnostics Nichols Institute San Juan Capistrano and Women's Health and Genetics/Laboratory Corporation of America, LabCorp); PubMed 15929117 (cited by 4 submitters); PubMed 4086306 (cited by Quest Diagnostics Nichols Institute San Juan Capistrano and Ambry Genetics); PubMed 7372598 (cited by Quest Diagnostics Nichols Institute San Juan Capistrano and Ambry Genetics); PubMed 6248489 (cited by Quest Diagnostics Nichols Institute San Juan Capistrano and OMIM); PubMed 4841979 (cited by Quest Diagnostics Nichols Institute San Juan Capistrano and Ambry Genetics); PubMed 5851873 (cited by Quest Diagnostics Nichols Institute San Juan Capistrano and OMIM); PubMed 4301455 (cited by Quest Diagnostics Nichols Institute San Juan Capistrano); PubMed 20324533 (cited by 3 submitters); PubMed 13897827 (cited by 3 submitters); PubMed 7076259 (cited by Natera, Inc.); PubMed 7663000 (cited by 4 submitters); PubMed 4413625 (cited by Women's Health and Genetics/Laboratory Corporation of America, LabCorp and OMIM); PubMed 27264598 (cited by Ambry Genetics); PubMed 7929232 (cited by Ambry Genetics); PubMed 7755625 (cited by Ambry Genetics); PubMed 24744675 (cited by Ambry Genetics); PubMed 9830011 (cited by Ambry Genetics); PubMed 18105244 (cited by OMIM); PubMed 13509426 (cited by OMIM); PubMed 13634986 (cited by OMIM); PubMed 5856115 (cited by OMIM); PubMed 13911805 (cited by OMIM); Heller, P., Coleman, R. D., Yakulis, V. Hemoglobin M (Hyde Park): a new variant of abnormal methemoglobin in a Negro. (Abstract) J. Clin. Invest. 45: 1021, 1966. (cited by OMIM); PubMed 14452533 (cited by OMIM); Hanada, M., Ohta, Y., Imamura, T., Fejimura, T., Kawasaki, K., Kosaka, K., Yamaoka, K., Seita, M. Studies of abnormal hemoglobins in western Japan. (Abstract) Jpn. J. Hum. Genet. 9: 253-254, 1964. (cited by OMIM); PubMed 14343445 (cited by OMIM); PubMed 1163074 (cited by OMIM).